The following is an entry in ClinVar:

NM_000233.4(LHCGR):c.29T>C (p.Leu10Pro)

Genes: LHCGR (luteinizing hormone/choriogonadotropin receptor; minus strand), STON1-GTF2A1L (STON1-GTF2A1L readthrough; plus strand). Cytogenetic location: 2p16.3.
Variant type: single nucleotide variant.
Coding change: c.29T>C on transcript NM_000233.4 (MANE Select); coding-DNA position 29, T replaced by C.
Protein change: p.Leu10Pro; replaces leucine 10 with proline.
Molecular consequence: missense variant. On other transcripts: intron variant (1).
Genome position (GRCh38, 1-based): chr2:48,755,643, A>G on the plus strand (T>C on the coding strand, the complement: LHCGR is on the minus strand). VCF-style: chr2-48755643-A-G. GRCh37 (hg19) VCF-style: chr2-48982782-A-G.
Other names: c.3442-20637A>G (NM_001198593.2); short protein forms L10P.
Identifiers: ClinVar variation 2633361 (VCV002633361.1), dbSNP rs917607255, ClinGen allele CA47295578.

ClinVar aggregate classification (germline): Likely pathogenic (1 of 4 stars; one submission).

Conditions:
LHCGR-related disorder. Also called: LHCGR-related condition.

Allele frequency attached by ClinVar (database versions not stated): gnomAD exomes 0.00001.
gnomAD v4.1: 7 of 1,534,128 alleles (0.00046%); highest among the groups gnomAD compares: African/African-American, 0.0014%; no homozygotes.

Submission:

PreventionGenetics, part of Exact Sciences
Classification: Likely pathogenic for LHCGR-related condition. Last evaluated: 2023-04-09. Review status: criteria provided, single submitter. Criteria: ACMG Guidelines, 2015. Collection method: clinical testing. Allele origin: germline.
Comment: The LHCGR c.29T>C variant is predicted to result in the amino acid substitution p.Leu10Pro. This variant has been reported in the compound heterozygous state with a pathogenic LHCGR variant and homozygous state in male patients with Leydig cell hypoplasia (LCH) type II (Vezzoli et al 2015. PubMed ID: 26246498; Wang H et al 2018. PubMed ID: 29582157). In vitro functional studies showed that this variant strongly impairs receptor biogenesis and is considered a loss-of-function variant (Vezzoli et al 2015. PubMed ID: 26246498). This variant has not been reported in a large population database, indicating this variant is rare. This variant is interpreted as likely pathogenic.